The following is an entry in ClinVar:

NM_003482.4(KMT2D):c.955-1G>A

Gene: KMT2D (lysine methyltransferase 2D; minus strand). Cytogenetic location: 12q13.12.
Variant type: single nucleotide variant.
Coding change: c.955-1G>A on transcript NM_003482.4 (MANE Select); the canonical splice acceptor site of the intron before coding-DNA position 955, G replaced by A.
Molecular consequence: splice acceptor variant.
Genome position (GRCh38, 1-based): chr12:49,053,073, C>T on the plus strand (G>A on the coding strand, the complement: KMT2D is on the minus strand). VCF-style: chr12-49053073-C-T. GRCh37 (hg19) VCF-style: chr12-49446856-C-T.
Identifiers: ClinVar variation 2572993 (VCV002572993.1), dbSNP rs2120693175, ClinGen allele CA384679162.

ClinVar aggregate classification (germline): Pathogenic (1 of 4 stars; one submission).

Conditions:
Kabuki syndrome 1 (KABUK1). Also called: KMT2D-Related Kabuki Syndrome. Identifiers: Orphanet 2322, MedGen CN030661, MONDO:0007843, OMIM 147920.

Submission:

Illumina Laboratory Services, Illumina
Classification: Pathogenic for Kabuki syndrome 1. Last evaluated: 2023-02-20. Review status: criteria provided, single submitter. Criteria: ICSLVariantClassificationCriteria RUGD 01 April 2020. Collection method: clinical testing. Allele origin: unknown.
Comment: The KMT2D c.955-1G>A variant results in the substitution of a guanine within the consensus splice acceptor site with an adenine, which may result in splicing defects. To our knowledge, this variant has not been reported in the peer-reviewed literature. This variant is not found in version 2.1.1 or version 3.1.2 of the Genome Aggregation Database. This variant was identified in a de novo state. Based on the available evidence, the c.955-1G>A variant is classified as pathogenic for Kabuki syndrome.